The following is an entry in ClinVar:

NM_003640.5(ELP1):c.2364-1G>C

Gene: ELP1 (elongator acetyltransferase complex subunit 1; minus strand). Cytogenetic location: 9q31.3.
Variant type: single nucleotide variant.
Coding change: c.2364-1G>C on transcript NM_003640.5 (MANE Select); the canonical splice acceptor site of the intron before coding-DNA position 2364, G replaced by C.
Molecular consequence: splice acceptor variant.
Genome position (GRCh38, 1-based): chr9:108,897,286, C>G on the plus strand (G>C on the coding strand, the complement: ELP1 is on the minus strand). VCF-style: chr9-108897286-C-G. GRCh37 (hg19) VCF-style: chr9-111659566-C-G.
Other names: c.2022-1G>C (NM_001318360.2); c.1317-1G>C (NM_001330749.2).
Identifiers: ClinVar variation 5004559 (VCV005004559.1).

ClinVar aggregate classification (germline): Uncertain significance (1 of 4 stars; one submission).

Conditions:
Familial dysautonomia. Also called: FD; HSAN III. Identifiers: Orphanet 1764, MedGen C0013364, MONDO:0009131, OMIM 223900. Disease mechanism: loss of function.

Submission:

Myriad Genetics, Inc.
Classification: Uncertain significance for Familial dysautonomia. Last evaluated: 2026-03-31. Review status: criteria provided, single submitter. Criteria: Myriad Autosomal Dominant, Autosomal Recessive and X-Linked Classification Criteria (2023). Collection method: clinical testing. Allele origin: unknown.
Comment: NM_003640.3(ELP1):c.2364-1G>C is a variant in a canonical splice site classified as a variant of uncertain significance in the context of familial dysautonomia. c.2364-1G>C has not been observed in cases with relevant disease. Relevant functional assessments of this variant are not available in the literature. c.2364-1G>C has not been observed in referenced population frequency databases. In summary, there is insufficient evidence to classify NM_003640.3(ELP1):c.2364-1G>C as pathogenic or benign. Please note: this variant was assessed in the context of healthy population screening.